The following is an entry in ClinVar:

GRCh37/hg19 21q22.2(chr21:41969022-42168522)x3

Gene: DSCAM (DS cell adhesion molecule; minus strand). Cytogenetic location: 21q22.2.
Variant type: copy number gain.
Change: copy number 3 (three copies instead of two) of chr21:41,969,022-42,168,522 (199.5 kb, GRCh37 coordinates, 1-based), cytogenetic band 21q22.2.
Identifiers: ClinVar variation 4820323 (VCV004820323.1).

ClinVar aggregate classification (germline): Pathogenic (1 of 4 stars; one submission).

Conditions:
DSCAM-related neurodevelopmental and retinal dysfunction syndrome.

Submission:

Center for Medical Genetics and Molecular Medicine, Haukeland University Hospital
Classification: Pathogenic for DSCAM-related neurodevelopmental and retinal dysfunction syndrome. Last evaluated: 2025-12-16. Review status: criteria provided, single submitter. Criteria: ACMG Guidelines, 2015. Collection method: clinical testing. Allele origin: unknown. Inheritance: Autosomal recessive inheritance. Affected: yes. Observed: 1 variant allele, 1 compound heterozygote.
Comment: The arr[GRCh37] 21q22.2 (41969022_42168522)x3 is an intragenic in-frame and predicted likely loss-of-function duplication of DSCAM exons 2 and 3 (of 33). The duplicated region spans codons 15–170 and corresponds to a highly conserved segment of the protein across vertebrates, from zebrafish to human. This region encompasses the first two Ig-like C2 domains and includes key structural features, notably two disulfide bonds (Cys46–Cys102 and Cys145–Cys197; UniProt ID: O60469). Consistent with these findings, two unrelated individuals homozygous for predicted or confirmed loss of function variants in DSCAM have previously been reported with overlapping phenotypes (PMID: 28600779; 33170561), supporting a loss of function disease mechanism for this gene. DSCAM has low biological tolerance for both loss-of-function (LoF) and missense variation (gnomAD v4.1.1: pLI=1.00, pLoF o/e=0.22 (0.17-0.28), Z-score (missense)=4.45). In summary, this variant meets ACMG/AMP criteria for pathogenicity, including PM1 (Moderate, critical functional region), PM2 (Moderate, absence from population control databases), PM3 (Moderate, recessive inheritance support), and PM4 (Moderate, structural/genomic alteration). When combined, they support classification of the arr[GRCh37] 21q22.2 (41969022_42168522)x3 variant as likely pathogenic.

Literature cited by the submitters: PubMed 28600779; PubMed 33170561.